The following is an entry in ClinVar:

ClinVar aggregate classification (germline): Uncertain significance (1 of 4 stars; one submission).

Conditions:
Familial adenomatous polyposis 1 (FAP1). Also called: FAMILIAL ADENOMATOUS POLYPOSIS 1, ATTENUATED; POLYPOSIS, ADENOMATOUS INTESTINAL. Identifiers: MedGen C2713442, MONDO:0021056, OMIM 175100. Disease mechanism: loss of function.

Allele frequency attached by ClinVar (database versions not stated): gnomAD exomes below 0.00001.
gnomAD v4.1: 1 of 1,370,692 alleles (0.000073%); highest among the groups gnomAD compares: Non-Finnish European, 0.000096%; no homozygotes.

Submission:

Labcorp Genetics (formerly Invitae), Labcorp
Classification: Uncertain significance for Familial adenomatous polyposis 1. Last evaluated: 2023-06-29. Review status: criteria provided, single submitter. Criteria: Invitae Variant Classification Sherloc (09022015). Collection method: clinical testing. Allele origin: germline.
Comment: In summary, the available evidence is currently insufficient to determine the role of this variant in disease. Therefore, it has been classified as a Variant of Uncertain Significance. Experimental studies and prediction algorithms are not available or were not evaluated, and the functional significance of this variant is currently unknown. This variant has not been reported in the literature in individuals affected with APC-related conditions. This variant is not present in population databases (gnomAD no frequency). This variant occurs in a non-coding region of the APC gene. It does not change the encoded amino acid sequence of the APC protein.

NM_001127511.3(APC):c.32C>T (p.Ala11Val)

Gene: APC (APC regulator of Wnt signaling pathway; plus strand). Cytogenetic location: 5q22.2.
Variant type: single nucleotide variant.
Coding change: c.32C>T on transcript NM_001127511.3; coding-DNA position 32, C replaced by T.
Protein change: p.Ala11Val; replaces alanine 11 with valine.
Molecular consequence: missense variant. On other transcripts: 5 prime UTR variant (8), non-coding transcript variant (1), intron variant (5).
Genome position (GRCh38, 1-based): chr5:112,707,749, C>T. VCF-style: chr5-112707749-C-T. GRCh37 (hg19) VCF-style: chr5-112043446-C-T.
Other names: c.-152C>T (NM_001354895.2, NM_001407447.1, NM_001407452.1 and 3 more transcripts); c.32C>T, p.Ala11Val (NM_001354897.2, NM_001354902.2, NM_001407446.1); c.-1187C>T (NM_001407470.1, NM_001407472.1); c.-19+100C>T (NM_001407448.1, NM_001407450.1, NM_001407457.1 and 1 more transcripts); c.-43+100C>T (NM_001407453.1); short protein forms A11V.
Identifiers: ClinVar variation 1052452 (VCV001052452.7), dbSNP rs1750604701, ClinGen allele CA360611694.